The following is an entry in ClinVar:

ClinVar aggregate classification (germline): Pathogenic/Likely pathogenic. Review status: criteria provided, multiple submitters, no conflicts (2 of 4 stars). 2 submissions from 2 submitters: Pathogenic (1); Likely pathogenic (1). Last evaluated 2026-02-17.

Conditions:
Methylmalonic aciduria, cblB type (MACB). Also called: Vitamin B12-responsive methylmalonic acidemia type cblB; Methylmalonic acidemia cblB type; METHYLMALONIC ACIDURIA, VITAMIN B12-RESPONSIVE, DUE TO DEFECT IN SYNTHESIS OF ADENOSYLCOBALAMIN, cblB TYPE. Identifiers: Orphanet 28, Orphanet 79311, MedGen C1855102, MONDO:0009614, OMIM 251110.

Submissions (2):

Myriad Genetics, Inc.
Classification: Pathogenic for Methylmalonic aciduria, cblB type. Last evaluated: 2026-02-17. Review status: criteria provided, single submitter. Criteria: Myriad Autosomal Dominant, Autosomal Recessive and X-Linked Classification Criteria (2023). Collection method: clinical testing. Allele origin: unknown.
Comment: NM_052845.3(MMAB):c.541_554dup14(C185Wfs*34) is a frameshift variant classified as pathogenic in the context of methylmalonic acidemia, cblB type. C185Wfs*34 has not been observed in cases with relevant disease. Relevant functional assessments of this variant are not available in the literature. C185Wfs*34 has not been observed in referenced population frequency databases. In summary, NM_052845.3(MMAB):c.541_554dup14(C185Wfs*34) is a frameshift variant in a gene where loss of function is a known mechanism of disease and is predicted to disrupt protein function. Please note: this variant was assessed in the context of healthy population screening.

Baylor Genetics
Classification: Likely pathogenic for Methylmalonic aciduria, cblB type. Last evaluated: 2023-09-03. Review status: criteria provided, single submitter. Criteria: ACMG Guidelines, 2015. Collection method: clinical testing. Allele origin: unknown.

NM_052845.4(MMAB):c.541_554dup (p.Cys185fs)

Gene: MMAB (metabolism of cobalamin associated B; minus strand). Cytogenetic location: 12q24.11.
Variant type: Duplication.
Coding change: c.541_554dup on transcript NM_052845.4 (MANE Select); coding-DNA positions 541 to 554, 14 bases duplicated (GCGCTGCATTTCTG).
Protein change: p.Cys185fs; shifts the reading frame from cysteine 185.
Molecular consequence: frameshift variant. On other transcripts: non-coding transcript variant (1).
Genome position (GRCh38, 1-based): chr12:109,561,070-109,561,083, CAGAAATGCAGCGC duplicated on the plus strand (GCGCTGCATTTCTG on the coding strand, the reverse complement: MMAB is on the minus strand); duplicating any 14 consecutive bases within chr12:109,561,070-109,561,084 gives the same sequence; the c. name uses the placement nearest the transcript's 3' end. VCF-style (leftmost placement, unchanged base first): chr12-109561069-G-GCAGAAATGCAGCGC. GRCh37 (hg19) VCF-style: chr12-109998874-G-GCAGAAATGCAGCGC.
Other names: short protein forms C185fs.
Identifiers: ClinVar variation 2676613 (VCV002676613.2), dbSNP rs2548604098, ClinGen allele CA2695199170.
Genomic context (GRCh38, chr12:109,561,069, plus strand): 5'-TGGGCCCTCTCCCTCTCTCCAGCCCTCTTACCGTCTCTCGGCCCGGCGGCACACGGCCCG[G>GCAGAAATGCAGCGC]CAGAAATGCAGCGCCGAGCTGATCTTGCCTCCCGACTGAAAGGAGAAAGGGACATTGCCT-3'